The following is an entry in ClinVar:

ClinVar aggregate classification (germline): Uncertain significance (1 of 4 stars; one submission).

Conditions:
Short-rib thoracic dysplasia 11 with or without polydactyly (SRTD11). Also called: SHORT-RIB THORACIC DYSPLASIA 11 WITHOUT POLYDACTYLY. Identifiers: Orphanet 474, Orphanet 93271, MedGen C3810200, MONDO:0014287, OMIM 615633.

Submission:

Labcorp Genetics (formerly Invitae), Labcorp
Classification: Uncertain significance for Short-rib thoracic dysplasia 11 with or without polydactyly. Last evaluated: 2025-11-24. Review status: criteria provided, single submitter. Criteria: Invitae Variant Classification Sherloc (09022015). Collection method: clinical testing. Allele origin: germline.
Comment: This sequence change replaces glutamine, which is neutral and polar, with arginine, which is basic and polar, at codon 39 of the WDR34 protein (p.Gln39Arg). This variant is not present in population databases (gnomAD no frequency). This variant has not been reported in the literature in individuals affected with WDR34-related conditions. ClinVar contains an entry for this variant (Variation ID: 1681265). An algorithm developed to predict the effect of missense changes on protein structure and function outputs the following: PolyPhen-2: "Benign". The arginine amino acid residue is found in multiple mammalian species, which suggests that this missense change does not adversely affect protein function. In summary, the available evidence is currently insufficient to determine the role of this variant in disease. Therefore, it has been classified as a Variant of Uncertain Significance.

NM_052844.4(DYNC2I2):c.116A>G (p.Gln39Arg)

Gene: DYNC2I2 (dynein 2 intermediate chain 2; minus strand). Cytogenetic location: 9q34.11.
Variant type: single nucleotide variant.
Coding change: c.116A>G on transcript NM_052844.4 (MANE Select); coding-DNA position 116, A replaced by G.
Protein change: p.Gln39Arg; replaces glutamine 39 with arginine.
Molecular consequence: missense variant.
Genome position (GRCh38, 1-based): chr9:128,656,611, T>C on the plus strand (A>G on the coding strand, the complement: DYNC2I2 is on the minus strand). VCF-style: chr9-128656611-T-C. GRCh37 (hg19) VCF-style: chr9-131418890-T-C.
Other names: short protein forms Q39R.
Identifiers: ClinVar variation 1681265 (VCV001681265.6), dbSNP rs1000127877, ClinGen allele CA375051116.